The following is an entry in ClinVar:

ClinVar aggregate classification (germline): Uncertain significance (1 of 4 stars; one submission).

Conditions:
Cardiovascular phenotype. Identifiers: MedGen CN230736.

Submission:

Ambry Genetics
Classification: Uncertain significance for Cardiovascular phenotype. Last evaluated: 2026-02-10. Review status: criteria provided, single submitter. Criteria: Ambry Variant Classification Scheme 2023. Collection method: clinical testing. Allele origin: germline.
Comment: The p.I362T variant (also known as c.1085T>C), located in coding exon 5 of the ALPK3 gene, results from a T to C substitution at nucleotide position 1085. The isoleucine at codon 362 is replaced by threonine, an amino acid with similar properties. This amino acid position is highly conserved in available vertebrate species. In addition, this alteration is predicted to be tolerated by in silico analysis. Based on the available evidence, the clinical significance of this variant remains unclear.

NM_020778.5(ALPK3):c.479T>C (p.Ile160Thr)

Gene: ALPK3 (alpha kinase 3; plus strand). Cytogenetic location: 15q25.3.
Variant type: single nucleotide variant.
Coding change: c.479T>C on transcript NM_020778.5 (MANE Select); coding-DNA position 479, T replaced by C.
Protein change: p.Ile160Thr; replaces isoleucine 160 with threonine.
Molecular consequence: missense variant.
Genome position (GRCh38, 1-based): chr15:84,839,758, T>C. VCF-style: chr15-84839758-T-C. GRCh37 (hg19) VCF-style: chr15-85382989-T-C.
Other names: short protein forms I160T.
Identifiers: ClinVar variation 4844750 (VCV004844750.1).